The following is an entry in ClinVar:

ClinVar aggregate classification (germline): Uncertain significance (1 of 4 stars; one submission).

Conditions:
Hereditary hemorrhagic telangiectasia (HHT). Also called: ORW DISEASE; Osler Weber Rendu syndrome; OSLER-RENDU-WEBER DISEASE; Osler hemorrhagic telangiectasia syndrome. Identifiers: Orphanet 774, MedGen C0039445, MONDO:0019180. Disease mechanism: loss of function.

Allele frequency attached by ClinVar (database versions not stated): ExAC 0.00001; gnomAD 0.00001; ESP Exome Variant Server 0.00008.
gnomAD v4.1: 4 of 1,613,924 alleles (0.00025%); highest among the groups gnomAD compares: African/African-American, 0.0027%; no homozygotes.

Submission:

Labcorp Genetics (formerly Invitae), Labcorp
Classification: Uncertain significance for Hereditary hemorrhagic telangiectasia. Last evaluated: 2024-01-24. Review status: criteria provided, single submitter. Criteria: Invitae Variant Classification Sherloc (09022015). Collection method: clinical testing. Allele origin: germline.
Comment: This sequence change replaces glutamic acid, which is acidic and polar, with glutamine, which is neutral and polar, at codon 468 of the ENG protein (p.Glu468Gln). This variant is present in population databases (rs370554511, gnomAD 0.007%). This missense change has been observed in individual(s) with pulmonary arterial hypertension (PMID: 27260700). ClinVar contains an entry for this variant (Variation ID: 1423596). Advanced modeling of protein sequence and biophysical properties (such as structural, functional, and spatial information, amino acid conservation, physicochemical variation, residue mobility, and thermodynamic stability) has been performed at Invitae for this missense variant, however the output from this modeling did not meet the statistical confidence thresholds required to predict the impact of this variant on ENG protein function. In summary, the available evidence is currently insufficient to determine the role of this variant in disease. Therefore, it has been classified as a Variant of Uncertain Significance.

Literature cited by the submitters: PubMed 27260700.

NM_001114753.3(ENG):c.1402G>C (p.Glu468Gln)

Genes: ENG (endoglin; minus strand), LOC102723566 (uncharacterized LOC102723566; plus strand). Cytogenetic location: 9q34.11.
Variant type: single nucleotide variant.
Coding change: c.1402G>C on transcript NM_001114753.3 (MANE Select); coding-DNA position 1402, G replaced by C.
Protein change: p.Glu468Gln; replaces glutamic acid 468 with glutamine.
Molecular consequence: missense variant.
Genome position (GRCh38, 1-based): chr9:127,818,742, C>G on the plus strand (G>C on the coding strand, the complement: ENG is on the minus strand). VCF-style: chr9-127818742-C-G. GRCh37 (hg19) VCF-style: chr9-130581021-C-G.
Other names: c.1402G>C, p.Glu468Gln (NM_000118.4); c.856G>C, p.Glu286Gln (NM_001278138.2); short protein forms E468Q, E286Q.
Identifiers: ClinVar variation 1423596 (VCV001423596.7), dbSNP rs370554511, ClinGen allele CA5252789.